The following is an entry in ClinVar:

NM_006421.5(ARFGEF1):c.4744G>A (p.Asp1582Asn)

Gene: ARFGEF1 (ARF guanine nucleotide exchange factor 1; minus strand). Cytogenetic location: 8q13.2.
Variant type: single nucleotide variant.
Coding change: c.4744G>A on transcript NM_006421.5 (MANE Select); coding-DNA position 4744, G replaced by A.
Protein change: p.Asp1582Asn; replaces aspartic acid 1582 with asparagine.
Molecular consequence: missense variant.
Genome position (GRCh38, 1-based): chr8:67,211,558, C>T on the plus strand (G>A on the coding strand, the complement: ARFGEF1 is on the minus strand). VCF-style: chr8-67211558-C-T. GRCh37 (hg19) VCF-style: chr8-68123793-C-T.
Other names: c.4744G>A, p.Asp1582Asn (NM_001413184.1, NM_001413187.1, NM_001413191.1 and 1 more transcripts); c.4726G>A, p.Asp1576Asn (NM_001413185.1, NM_001413186.1, NM_001413189.1 and 1 more transcripts); c.4144G>A, p.Asp1382Asn (NM_001413188.1, NM_001413197.1); c.4738G>A, p.Asp1580Asn (NM_001413190.1); c.4126G>A, p.Asp1376Asn (NM_001413193.1); c.3319G>A, p.Asp1107Asn (NM_001413196.1); short protein forms D1382N, D1580N, D1582N, D1107N, D1376N, D1576N.
Identifiers: ClinVar variation 2246043 (VCV002246043.10), dbSNP rs371657272, ClinGen allele CA178188414.

ClinVar aggregate classification (germline): Uncertain significance. Review status: criteria provided, multiple submitters, no conflicts (2 of 4 stars). 2 submissions from 2 submitters: Uncertain significance (2). Last evaluated 2025-07-01.

Conditions:
Inborn genetic diseases. Identifiers: MedGen C0950123, MeSH D030342.

Allele frequency attached by ClinVar (database versions not stated): gnomAD 0.00001; ESP Exome Variant Server 0.00008.
gnomAD v4.1: 5 of 1,581,314 alleles (0.00032%); highest among the groups gnomAD compares: Admixed American, 0.0036%; no homozygotes.

Submissions (2):

CeGaT Center for Human Genetics Tuebingen
Classification: Uncertain significance. Last evaluated: 2025-07-01. Review status: criteria provided, single submitter. Criteria: CeGaT Center For Human Genetics Tuebingen Variant Classification Criteria Version 2. Collection method: clinical testing. Allele origin: germline. Affected: yes. Observed: 1 variant allele.
Comment: ARFGEF1: PM2, BP4

Ambry Genetics
Classification: Uncertain significance for Inborn genetic diseases. Last evaluated: 2021-08-17. Review status: criteria provided, single submitter. Criteria: Ambry Variant Classification Scheme 2023. Collection method: clinical testing. Allele origin: germline.